The following is an entry in ClinVar:

NM_000541.5(SAG):c.301G>A (p.Ala101Thr)

Gene: SAG (S-antigen visual arrestin; plus strand). Cytogenetic location: 2q37.1.
Variant type: single nucleotide variant.
Coding change: c.301G>A on transcript NM_000541.5 (MANE Select); coding-DNA position 301, G replaced by A.
Protein change: p.Ala101Thr; replaces alanine 101 with threonine.
Molecular consequence: missense variant.
Genome position (GRCh38, 1-based): chr2:233,320,749, G>A. VCF-style: chr2-233320749-G-A. GRCh37 (hg19) VCF-style: chr2-234229395-G-A.
Other names: short protein forms A101T.
Identifiers: ClinVar variation 167633 (VCV000167633.37), dbSNP rs141521563, ClinGen allele CA180410.

ClinVar aggregate classification (germline): Conflicting classifications of pathogenicity. Review status: criteria provided, conflicting classifications (1 of 4 stars). 9 submissions from 8 submitters: Uncertain significance (1); Benign (2); Likely benign (3). 3 of the submissions do not count toward it. Last evaluated 2026-03-01.

Conditions:
Retinal dystrophy. Also called: Inherited retinal dystrophy. Identifiers: Orphanet 71862, MedGen C0854723, MeSH D058499, MONDO:0019118, HP:0000556.
Oguchi disease. Also called: Oguchi's disease. Identifiers: Orphanet 75382, MedGen C1306122, MONDO:0019152.
Retinitis pigmentosa (RP). Identifiers: Orphanet 791, MedGen C0035334, MeSH D012174, MONDO:0019200, OMIM 268000. Inheritance: Autosomal dominant, autosomal recessive and X linked inheritance.

Allele frequency attached by ClinVar (database versions not stated): TOPMed 0.00605; ExAC 0.00722; gnomAD 0.00488 and 0.00492; 1000 Genomes Project 0.00519; gnomAD exomes 0.00547 and 0.00465; 1000 Genomes Project 30x 0.00468; ESP Exome Variant Server 0.00534.
gnomAD v4.1: 8,742 of 1,605,992 alleles (0.54%); highest among the groups gnomAD compares: Middle Eastern, 2.3%; 38 homozygotes.

Submissions (9):

CeGaT Center for Human Genetics Tuebingen
Classification: Likely benign. Last evaluated: 2026-03-01. Review status: criteria provided, single submitter. Criteria: CeGaT Center For Human Genetics Tuebingen Variant Classification Criteria Version 2. Collection method: clinical testing. Allele origin: germline. Affected: yes. Observed: 2 variant alleles.
Comment: SAG: BP4, BS2

Labcorp Genetics (formerly Invitae), Labcorp
Classification: Benign. Last evaluated: 2026-02-01. Review status: criteria provided, single submitter. Criteria: Invitae Variant Classification Sherloc (09022015). Collection method: clinical testing. Allele origin: germline.

Illumina Laboratory Services, Illumina
Classification: Uncertain significance for Retinitis pigmentosa. Last evaluated: 2018-01-12. Review status: criteria provided, single submitter. Criteria: ICSL Variant Classification Criteria 13 December 2019. Collection method: clinical testing. Allele origin: germline.

Illumina Laboratory Services, Illumina
Classification: Likely benign for Oguchi disease-1. Last evaluated: 2018-01-12. Review status: criteria provided, single submitter. Criteria: ICSL Variant Classification Criteria 13 December 2019. Collection method: clinical testing. Allele origin: germline.
Comment: This variant was observed in the ICSL laboratory as part of a predisposition screen in an ostensibly healthy population. It had not been previously curated by ICSL or reported in the Human Gene Mutation Database (HGMD: prior to June 1st, 2018), and was therefore a candidate for classification through an automated scoring system. Utilizing variant allele frequency, disease prevalence and penetrance estimates, and inheritance mode, an automated score was calculated to assess if this variant is too frequent to cause the disease. Based on the score and internal cut-off values, a variant classified as likely benign is not then subjected to further curation. The score for this variant resulted in a classification of likely benign for this disease.

Center for Pediatric Genomic Medicine, Children's Mercy Hospital and Clinics
Classification: Likely benign. Last evaluated: 2016-11-07. Review status: criteria provided, single submitter. Criteria: ACMG Guidelines, 2015. Collection method: clinical testing. Allele origin: germline.
ClinVar note: Converted during submission from Likely Benign to Likely benign.

Eurofins Ntd Llc (ga)
Classification: Benign. Last evaluated: 2014-04-28. Review status: criteria provided, single submitter. Criteria: EGL Classification Definitions 2015. Collection method: clinical testing. Allele origin: germline. Observed: 2 variant alleles, 2 heterozygotes.

Institute of Human Genetics, Univ. Regensburg, Univ. Regensburg
Classification: Likely benign for Retinal dystrophy. Last evaluated: 2012-01-01. Review status: no assertion criteria provided. Criteria: ACMG Guidelines, 2015. Collection method: clinical testing. Allele origin: germline. Affected: yes. Not counted in ClinVar's aggregate classification.

Clinical Genetics DNA and cytogenetics Diagnostics Lab, Erasmus MC, Erasmus Medical Center
Classification: Benign. Review status: no assertion criteria provided. Collection method: clinical testing. Allele origin: germline. Affected: yes. Study: VKGL Data-share Consensus. Not counted in ClinVar's aggregate classification.

Clinical Genetics, Academic Medical Center
Classification: Benign. Review status: no assertion criteria provided. Collection method: clinical testing. Allele origin: germline. Affected: yes. Study: VKGL Data-share Consensus. Not counted in ClinVar's aggregate classification.